The following is an entry in ClinVar:

NM_000548.5(TSC2):c.5280del (p.Ser1761fs)

Gene: TSC2 (TSC complex subunit 2; plus strand). Cytogenetic location: 16p13.3.
Variant type: Deletion.
Coding change: c.5280del on transcript NM_000548.5 (MANE Select); coding-DNA position 5280, one base deleted (C; older notation c.5280delC).
Protein change: p.Ser1761fs; shifts the reading frame from serine 1761.
Molecular consequence: frameshift variant.
Genome position (GRCh38, 1-based): chr16:2,088,466, C deleted. VCF-style (leftmost placement, unchanged base first): chr16-2088465-AC-A. GRCh37 (hg19) VCF-style: chr16-2138466-AC-A.
Other names: c.4611delC, p.Ser1538Profs (NM_001406682.1, NM_001406683.1); c.4608delC, p.Ser1537Profs (NM_001406684.1); c.4482delC, p.Ser1495Profs (NM_001406685.1, NM_001406686.1); c.4479delC, p.Ser1494Profs (NM_001406687.1, NM_001406688.1); c.3867delC, p.Ser1290Profs (NM_001406689.1); c.3807delC, p.Ser1270Profs (NM_001406690.1); c.3804delC, p.Ser1269Profs (NM_001406691.1); c.3738delC, p.Ser1247Profs (NM_001406692.1, NM_001406693.1, NM_001406694.1); and 27 more; short protein forms S1517fs, S1646fs, S1658fs, S1694fs, S1695fs, S1705fs, S1714fs, S1717fs.
Identifiers: ClinVar variation 2444080 (VCV002444080.1), dbSNP rs2480624130, ClinGen allele CA2580091186.

ClinVar aggregate classification (germline): Uncertain significance (1 of 4 stars; one submission).

Conditions:
Tuberous sclerosis 2 (TSC2). Identifiers: Orphanet 805, MedGen C1860707, MONDO:0013199, OMIM 613254.

Submission:

3billion
Classification: Uncertain significance for Tuberous sclerosis 2. Last evaluated: 2023-02-23. Review status: criteria provided, single submitter. Criteria: ACMG Guidelines, 2015. Collection method: clinical testing. Allele origin: unknown. Affected: yes.
Comment: The variant is not observed in the gnomAD v2.1.1 dataset. This variant was predicted to result in a loss or disruption of normal protein function through protein truncation. The predicted truncated protein may be shortened by less than 10%. Therefore, this variant is classified as VUS according to the recommendation of ACMG/AMP guideline.